The following is an entry in ClinVar:

NM_002582.4(PARN):c.1277G>A (p.Arg426Lys)

Gene: PARN (poly(A)-specific ribonuclease; minus strand). Cytogenetic location: 16p13.12.
Variant type: single nucleotide variant.
Coding change: c.1277G>A on transcript NM_002582.4 (MANE Select); coding-DNA position 1277, G replaced by A.
Protein change: p.Arg426Lys; replaces arginine 426 with lysine.
Molecular consequence: missense variant.
Genome position (GRCh38, 1-based): chr16:14,555,695, C>T on the plus strand (G>A on the coding strand, the complement: PARN is on the minus strand). VCF-style: chr16-14555695-C-T. GRCh37 (hg19) VCF-style: chr16-14649552-C-T.
Other names: c.1094G>A, p.Arg365Lys (NM_001134477.3); c.1139G>A, p.Arg380Lys (NM_001242992.2); short protein forms R365K, R380K, R426K.
Identifiers: ClinVar variation 1338244 (VCV001338244.13), dbSNP rs1267290979, ClinGen allele CA394812997.

ClinVar aggregate classification (germline): Uncertain significance. Review status: criteria provided, multiple submitters, no conflicts (2 of 4 stars). 3 submissions from 3 submitters: Uncertain significance (3). Last evaluated 2023-05-18.

Conditions:
Dyskeratosis congenita, autosomal recessive 6 (DKCB6). Identifiers: MedGen C4225356, MONDO:0014600, OMIM 616353.
Pulmonary fibrosis and/or bone marrow failure, Telomere-related, 4. Also called: PULMONARY FIBROSIS AND/OR BONE MARROW FAILURE SYNDROME, TELOMERE-RELATED, 4. Identifiers: Orphanet 2032, MedGen C4225347, MONDO:0014612, OMIM 616371.

Allele frequency attached by ClinVar (database versions not stated): gnomAD exomes below 0.00001; gnomAD 0.00001; TOPMed 0.00001.
gnomAD v4.1: 3 of 1,482,798 alleles (0.0002%); highest among the groups gnomAD compares: Non-Finnish European, 0.00027%; no homozygotes.

Submissions (3):

Labcorp Genetics (formerly Invitae), Labcorp
Classification: Uncertain significance for Dyskeratosis congenita, autosomal recessive 6; Pulmonary fibrosis and/or bone marrow failure, Telomere-related, 4. Last evaluated: 2023-05-18. Review status: criteria provided, single submitter. Criteria: Invitae Variant Classification Sherloc (09022015). Collection method: clinical testing. Allele origin: germline.
Comment: In summary, the available evidence is currently insufficient to determine the role of this variant in disease. Therefore, it has been classified as a Variant of Uncertain Significance. Advanced modeling of protein sequence and biophysical properties (such as structural, functional, and spatial information, amino acid conservation, physicochemical variation, residue mobility, and thermodynamic stability) performed at Invitae indicates that this missense variant is not expected to disrupt PARN protein function. ClinVar contains an entry for this variant (Variation ID: 1338244). This variant has not been reported in the literature in individuals affected with PARN-related conditions. This variant is not present in population databases (gnomAD no frequency). This sequence change replaces arginine, which is basic and polar, with lysine, which is basic and polar, at codon 426 of the PARN protein (p.Arg426Lys).

Blueprint Genetics
Classification: Uncertain significance. Last evaluated: 2019-08-21. Review status: criteria provided, single submitter. Criteria: ACMG Guidelines, 2015. Collection method: clinical testing. Allele origin: germline.

Genetic Services Laboratory, University of Chicago
Classification: Uncertain significance. Last evaluated: 2017-08-02. Review status: criteria provided, single submitter. Criteria: ACMG Guidelines, 2015. Collection method: clinical testing. Allele origin: germline. Affected: no.